The following is an entry in ClinVar:

NM_018489.3(ASH1L):c.8164G>C (p.Glu2722Gln)

Gene: ASH1L (ASH1 like histone lysine methyltransferase; minus strand). Cytogenetic location: 1q22.
Variant type: single nucleotide variant.
Coding change: c.8164G>C on transcript NM_018489.3 (MANE Select); coding-DNA position 8164, G replaced by C.
Protein change: p.Glu2722Gln; replaces glutamic acid 2722 with glutamine.
Molecular consequence: missense variant.
Genome position (GRCh38, 1-based): chr1:155,343,443, C>G on the plus strand (G>C on the coding strand, the complement: ASH1L is on the minus strand). VCF-style: chr1-155343443-C-G. GRCh37 (hg19) VCF-style: chr1-155313234-C-G.
Other names: c.8179G>C, p.Glu2727Gln (NM_001366177.2); short protein forms E2722Q, E2727Q.
Identifiers: ClinVar variation 3039163 (VCV003039163.2), dbSNP rs2525646324, ClinGen allele CA342728267.

ClinVar aggregate classification (germline): Uncertain significance (0 of 4 stars; one submission).

Conditions:
ASH1L-related disorder. Also called: ASH1L-related condition.

Submission:

PreventionGenetics, part of Exact Sciences
Classification: Uncertain significance for ASH1L-related condition. Last evaluated: 2023-10-30. Review status: no assertion criteria provided. Collection method: clinical testing. Allele origin: germline.
Comment: The ASH1L c.8164G>C variant is predicted to result in the amino acid substitution p.Glu2722Gln. To our knowledge, this variant has not been reported in the literature or in a large population database, indicating this variant is rare. At this time, the clinical significance of this variant is uncertain due to the absence of conclusive functional and genetic evidence.